The following is an entry in ClinVar:

ClinVar aggregate classification (germline): Uncertain significance (1 of 4 stars; one submission).

Conditions:
Infantile spasms. Also called: Infantile spasm. Identifiers: MedGen C3887898, HP:0012469.

Allele frequency attached by ClinVar (database versions not stated): gnomAD 0.00001; gnomAD exomes 0.00001 and 0.00002; ExAC 0.00002; TOPMed 0.00002.
gnomAD v4.1: 22 of 1,612,624 alleles (0.0014%); highest among the groups gnomAD compares: Middle Eastern, 0.16%; no homozygotes.

Submission:

Labcorp Genetics (formerly Invitae), Labcorp
Classification: Uncertain significance for Infantile spasms. Last evaluated: 2022-08-16. Review status: criteria provided, single submitter. Criteria: Invitae Variant Classification Sherloc (09022015). Collection method: clinical testing. Allele origin: germline.
Comment: In summary, the available evidence is currently insufficient to determine the role of this variant in disease. Therefore, it has been classified as a Variant of Uncertain Significance. Algorithms developed to predict the effect of missense changes on protein structure and function (SIFT, PolyPhen-2, Align-GVGD) all suggest that this variant is likely to be tolerated. ClinVar contains an entry for this variant (Variation ID: 655567). This variant has not been reported in the literature in individuals affected with PIK3AP1-related conditions. This variant is present in population databases (rs748113882, gnomAD 0.003%). This sequence change replaces alanine, which is neutral and non-polar, with threonine, which is neutral and polar, at codon 190 of the PIK3AP1 protein (p.Ala190Thr).

NM_152309.3(PIK3AP1):c.568G>A (p.Ala190Thr)

Gene: PIK3AP1 (phosphoinositide-3-kinase adaptor protein 1; minus strand). Cytogenetic location: 10q24.1.
Variant type: single nucleotide variant.
Coding change: c.568G>A on transcript NM_152309.3 (MANE Select); coding-DNA position 568, G replaced by A.
Protein change: p.Ala190Thr; replaces alanine 190 with threonine.
Molecular consequence: missense variant.
Genome position (GRCh38, 1-based): chr10:96,652,842, C>T on the plus strand (G>A on the coding strand, the complement: PIK3AP1 is on the minus strand). VCF-style: chr10-96652842-C-T. GRCh37 (hg19) VCF-style: chr10-98412599-C-T.
Other names: short protein forms A190T.
Identifiers: ClinVar variation 655567 (VCV000655567.5), dbSNP rs748113882, ClinGen allele CA5626494.